The following is an entry in ClinVar:

NM_014780.5(CUL7):c.5011C>T (p.Leu1671Phe)

Gene: CUL7 (cullin 7; minus strand). Cytogenetic location: 6p21.1.
Variant type: single nucleotide variant.
Coding change: c.5011C>T on transcript NM_014780.5 (MANE Select); coding-DNA position 5011, C replaced by T.
Protein change: p.Leu1671Phe; replaces leucine 1671 with phenylalanine.
Molecular consequence: missense variant.
Genome position (GRCh38, 1-based): chr6:43,037,774, G>A on the plus strand (C>T on the coding strand, the complement: CUL7 is on the minus strand). VCF-style: chr6-43037774-G-A. GRCh37 (hg19) VCF-style: chr6-43005512-G-A.
Other names: c.5107C>T, p.Leu1703Phe (NM_001168370.2, NM_001374872.1); c.5023C>T, p.Leu1675Phe (NM_001374873.1); c.5008C>T, p.Leu1670Phe (NM_001374874.1); c.5011C>T (NM_014780.4); short protein forms L1671F, L1670F, L1703F, L1675F.
Identifiers: ClinVar variation 1401243 (VCV001401243.4), dbSNP rs748715099, ClinGen allele CA3813057.
Genomic context (GRCh38, chr6:43,037,774, plus strand): 5'-TGGCAGTGCAGGAGGCATAGGGCACACCCCGGGAGCGAATCTGTAGGGTATGGAAGGTGA[G>A]GGGTGGGTTGGGGCCTGAGGAGCCTGGGTTCAGGGACTCAGTGTGAGGCTCCATGACAGT-3'
Protein context (NP_055595.2, residues 1661-1681): NPGSSGPNPP[Leu1671Phe]TFHTLQIRSR

ClinVar aggregate classification (germline): Uncertain significance. Review status: criteria provided, multiple submitters, no conflicts (2 of 4 stars). 2 submissions from 2 submitters: Uncertain significance (2). Last evaluated 2025-09-25.

Conditions:
Inborn genetic diseases. Identifiers: MedGen C0950123, MeSH D030342.

Allele frequency attached by ClinVar (database versions not stated): TOPMed 0.00001; gnomAD exomes 0.00005; ExAC 0.00002.
gnomAD v4.1: 70 of 1,593,204 alleles (0.0044%); highest among the groups gnomAD compares: Middle Eastern, 0.017%; no homozygotes.

Submissions (2):

Ambry Genetics
Classification: Uncertain significance for Inborn genetic diseases. Last evaluated: 2025-09-25. Review status: criteria provided, single submitter. Criteria: Ambry Variant Classification Scheme 2023. Collection method: clinical testing. Allele origin: germline.

Labcorp Genetics (formerly Invitae), Labcorp
Classification: Uncertain significance. Last evaluated: 2021-08-12. Review status: criteria provided, single submitter. Criteria: Invitae Variant Classification Sherloc (09022015). Collection method: clinical testing. Allele origin: germline.
Comment: This sequence change replaces leucine with phenylalanine at codon 1671 of the CUL7 protein (p.Leu1671Phe). The leucine residue is moderately conserved and there is a small physicochemical difference between leucine and phenylalanine. This variant is present in population databases (rs748715099, ExAC 0.02%). This variant has not been reported in the literature in individuals affected with CUL7-related conditions. Algorithms developed to predict the effect of missense changes on protein structure and function are either unavailable or do not agree on the potential impact of this missense change (SIFT: "Tolerated"; PolyPhen-2: "Probably Damaging"; Align-GVGD: "Class C0"). In summary, the available evidence is currently insufficient to determine the role of this variant in disease. Therefore, it has been classified as a Variant of Uncertain Significance.